The following is an entry in ClinVar:

NM_000219.6(KCNE1):c.239T>C (p.Val80Ala)

Gene: KCNE1 (potassium voltage-gated channel subfamily E regulatory subunit 1; minus strand). Cytogenetic location: 21q22.12.
Variant type: single nucleotide variant.
Coding change: c.239T>C on transcript NM_000219.6 (MANE Select); coding-DNA position 239, T replaced by C.
Protein change: p.Val80Ala; replaces valine 80 with alanine.
Molecular consequence: missense variant.
Genome position (GRCh38, 1-based): chr21:34,449,396, A>G on the plus strand (T>C on the coding strand, the complement: KCNE1 is on the minus strand). VCF-style: chr21-34449396-A-G. GRCh37 (hg19) VCF-style: chr21-35821694-A-G.
Other names: c.239T>C, p.Val80Ala (NM_001127668.4, NM_001127669.4, NM_001127670.4 and 4 more transcripts); short protein forms V80A.
Identifiers: ClinVar variation 3374410 (VCV003374410.3).

ClinVar aggregate classification (germline): Uncertain significance (1 of 4 stars; one submission).

Conditions:
Long QT syndrome (LQTS). Identifiers: MedGen C0023976, MeSH D008133, MONDO:0002442. Disease mechanism: loss of function. Inheritance: Various modes of inheritance.

Submissions (2):

Labcorp Genetics (formerly Invitae), Labcorp
Classification: Uncertain significance for Long QT syndrome. Last evaluated: 2025-06-29. Review status: criteria provided, single submitter. Criteria: Invitae Variant Classification Sherloc (09022015). Collection method: clinical testing. Allele origin: germline.
Comment: This sequence change replaces valine, which is neutral and non-polar, with alanine, which is neutral and non-polar, at codon 80 of the KCNE1 protein (p.Val80Ala). This variant is not present in population databases (gnomAD no frequency). This missense change has been observed in individual(s) with clinical features of long QT syndrome (internal data). ClinVar contains an entry for this variant (Variation ID: 3374410). Invitae Evidence Modeling of protein sequence and biophysical properties (such as structural, functional, and spatial information, amino acid conservation, physicochemical variation, residue mobility, and thermodynamic stability) has been performed for this missense variant. However, the output from this modeling did not meet the statistical confidence thresholds required to predict the impact of this variant on KCNE1 protein function. Experimental studies are conflicting or provide insufficient evidence to determine the effect of this variant on KCNE1 function (PMID: 17130521). In summary, the available evidence is currently insufficient to determine the role of this variant in disease. Therefore, it has been classified as a Variant of Uncertain Significance.

Roden Lab, Vanderbilt University Medical Center
No classification provided (evidence only). Condition: Long QT syndrome 5. Review status: no classification provided. Collection method: in vitro. Allele origin: not applicable. Functional consequence: Effect on ion channel function. Not counted in ClinVar's aggregate classification.
ClinVar note: "not provided" was previously submitted as the classification for the variant. However, the classification appeared to be based only on an observation of functional data so it was converted to no classification on 2025-07-30.

Literature cited by the submitters: PubMed 17130521 (cited by Labcorp Genetics (formerly Invitae), Labcorp).